The following is an entry in ClinVar:

NM_130384.3(ATRIP):c.2056G>T (p.Val686Leu)

Genes: ATRIP (ATR interacting protein; plus strand), ATRIP-TREX1 (ATRIP-TREX1 readthrough; plus strand). Cytogenetic location: 3p21.31.
Variant type: single nucleotide variant.
Coding change: c.2056G>T on transcript NM_130384.3 (MANE Select); coding-DNA position 2056, G replaced by T.
Protein change: p.Val686Leu; replaces valine 686 with leucine.
Molecular consequence: missense variant. On other transcripts: non-coding transcript variant (1).
Genome position (GRCh38, 1-based): chr3:48,464,831, G>T. VCF-style: chr3-48464831-G-T. GRCh37 (hg19) VCF-style: chr3-48506230-G-T.
Other names: c.1675G>T, p.Val559Leu (NM_001271022.2); c.1777G>T, p.Val593Leu (NM_001271023.2); c.1975G>T, p.Val659Leu (NM_032166.4); short protein forms V659L, V559L, V593L, V686L.
Identifiers: ClinVar variation 3810987 (VCV003810987.1).

ClinVar aggregate classification (germline): Uncertain significance (1 of 4 stars; one submission).

Submission:

Ambry Genetics
Classification: Uncertain significance. Last evaluated: 2025-02-24. Review status: criteria provided, single submitter. Criteria: Ambry Variant Classification Scheme 2023. Collection method: clinical testing. Allele origin: germline.
Comment: The p.V686L variant (also known as c.2056G>T) is located in coding exon 12 of the ATRIP gene. The valine at codon 686 is replaced by leucine, an amino acid with highly similar properties. This change occurs in the first base pair of coding exon 12. This amino acid position is conserved. In addition, this alteration is predicted to be tolerated by in silico analysis. Based on the available evidence, the clinical significance of this variant remains unclear.